The following is an entry in ClinVar:

NM_018942.3(HMX1):c.419C>T (p.Thr140Met)

Gene: HMX1 (H6 family homeobox 1; minus strand). Cytogenetic location: 4p16.1.
Variant type: single nucleotide variant.
Coding change: c.419C>T on transcript NM_018942.3 (MANE Select); coding-DNA position 419, C replaced by T.
Protein change: p.Thr140Met; replaces threonine 140 with methionine.
Molecular consequence: missense variant. On other transcripts: intron variant (1).
Genome position (GRCh38, 1-based): chr4:8,868,321, G>A on the plus strand (C>T on the coding strand, the complement: HMX1 is on the minus strand). VCF-style: chr4-8868321-G-A. GRCh37 (hg19) VCF-style: chr4-8870047-G-A.
Other names: c.394+2900C>T (NM_001306142.2); short protein forms T140M.
Identifiers: ClinVar variation 1055306 (VCV001055306.8), dbSNP rs1031498533, ClinGen allele CA92349814.

ClinVar aggregate classification (germline): Uncertain significance. Review status: criteria provided, multiple submitters, no conflicts (2 of 4 stars). 3 submissions from 3 submitters: Uncertain significance (2). 1 of the submissions does not count toward it. Last evaluated 2024-12-16.

Conditions:
Retinal dystrophy. Also called: Inherited retinal dystrophy. Identifiers: Orphanet 71862, MedGen C0854723, MeSH D058499, MONDO:0019118, HP:0000556.

Allele frequency attached by ClinVar (database versions not stated): TOPMed 0.00003.
gnomAD v4.1: 28 of 1,419,316 alleles (0.002%); highest among the groups gnomAD compares: Middle Eastern, 0.021%; no homozygotes.

Submissions (3):

Labcorp Genetics (formerly Invitae), Labcorp
Classification: Uncertain significance. Last evaluated: 2024-12-16. Review status: criteria provided, single submitter. Criteria: Invitae Variant Classification Sherloc (09022015). Collection method: clinical testing. Allele origin: germline.
Comment: This sequence change replaces threonine, which is neutral and polar, with methionine, which is neutral and non-polar, at codon 140 of the HMX1 protein (p.Thr140Met). The frequency data for this variant in the population databases is considered unreliable, as metrics indicate poor data quality at this position in the gnomAD database. This variant has not been reported in the literature in individuals affected with HMX1-related conditions. ClinVar contains an entry for this variant (Variation ID: 1055306). Invitae Evidence Modeling of protein sequence and biophysical properties (such as structural, functional, and spatial information, amino acid conservation, physicochemical variation, residue mobility, and thermodynamic stability) indicates that this missense variant is not expected to disrupt HMX1 protein function with a negative predictive value of 80%. In summary, the available evidence is currently insufficient to determine the role of this variant in disease. Therefore, it has been classified as a Variant of Uncertain Significance.

Breakthrough Genomics
Classification: Uncertain significance. Review status: criteria provided, single submitter. Criteria: ACMG Guidelines, 2015. Collection method: not provided. Allele origin: germline. Inheritance: Autosomal recessive inheritance. Affected: yes.

Institute of Human Genetics, Univ. Regensburg, Univ. Regensburg
Classification: Uncertain significance for Retinal dystrophy. Last evaluated: 2023-01-01. Review status: no assertion criteria provided. Criteria: ACMG Guidelines, 2015. Collection method: clinical testing. Allele origin: germline. Affected: yes. Not counted in ClinVar's aggregate classification.